The following is an entry in ClinVar:

ClinVar aggregate classification (germline): Pathogenic (1 of 4 stars; one submission).

Conditions:
Severe combined immunodeficiency due to IKK2 deficiency. Also called: Immunodeficiency 15; IMMUNODEFICIENCY 15B. Identifiers: Orphanet 397787, MedGen C4747743, MONDO:0014267, OMIM 615592.

Submission:

Labcorp Genetics (formerly Invitae), Labcorp
Classification: Pathogenic for Severe combined immunodeficiency due to IKK2 deficiency. Last evaluated: 2021-02-09. Review status: criteria provided, single submitter. Criteria: Invitae Variant Classification Sherloc (09022015). Collection method: clinical testing. Allele origin: germline.
Comment: For these reasons, this variant has been classified as Pathogenic. This variant has not been reported in the literature in individuals with IKBKB-related conditions. This variant is not present in population databases (ExAC no frequency). This sequence change creates a premature translational stop signal (p.Pro578Thrfs*7) in the IKBKB gene. It is expected to result in an absent or disrupted protein product. Loss-of-function variants in IKBKB are known to be pathogenic (PMID: 24369075, 24679846).

Literature cited by the submitters: PubMed 24369075; PubMed 24679846.

NM_001556.3(IKBKB):c.1731dup (p.Pro578fs)

Gene: IKBKB (inhibitor of nuclear factor kappa B kinase subunit beta; plus strand). Cytogenetic location: 8p11.21.
Variant type: Duplication.
Coding change: c.1731dup on transcript NM_001556.3 (MANE Select); coding-DNA position 1731, one base duplicated (A; older notation c.1731dupA).
Protein change: p.Pro578fs; shifts the reading frame from proline 578.
Molecular consequence: frameshift variant. On other transcripts: non-coding transcript variant (3).
Genome position (GRCh38, 1-based): chr8:42,321,938, A duplicated; the last of 5 consecutive A bases (chr8:42,321,934-42,321,938); duplicating any one gives the same sequence. VCF-style (leftmost placement, unchanged base first): chr8-42321933-G-GA. GRCh37 (hg19) VCF-style: chr8-42179451-G-GA.
Other names: c.1554dup, p.Pro519fs (NM_001242778.2); c.1539dup, p.Pro514fs (NM_001190720.3); short protein forms P514fs, P578fs, P519fs.
Identifiers: ClinVar variation 1451255 (VCV001451255.6), dbSNP rs2130681744, ClinGen allele CA2573143167.